The following is an entry in ClinVar:

ClinVar aggregate classification (germline): Uncertain significance (1 of 4 stars; one submission).

Conditions:
Sulfite oxidase deficiency due to molybdenum cofactor deficiency type C. Also called: Molybdenum cofactor deficiency C; Molybdenum cofactor deficiency, complementation group C. Identifiers: Orphanet 308400, Orphanet 833, MedGen C1854990, MONDO:0014212, OMIM 615501.

gnomAD v4.1: 2 of 1,613,082 alleles (0.00012%); highest among the groups gnomAD compares: Non-Finnish European, 0.00017%; no homozygotes.

Submission:

Labcorp Genetics (formerly Invitae), Labcorp
Classification: Uncertain significance for Sulfite oxidase deficiency due to molybdenum cofactor deficiency type C. Last evaluated: 2024-08-29. Review status: criteria provided, single submitter. Criteria: Invitae Variant Classification Sherloc (09022015). Collection method: clinical testing. Allele origin: germline.
Comment: This sequence change replaces isoleucine, which is neutral and non-polar, with methionine, which is neutral and non-polar, at codon 235 of the GPHN protein (p.Ile235Met). This variant is not present in population databases (gnomAD no frequency). This variant has not been reported in the literature in individuals affected with GPHN-related conditions. Invitae Evidence Modeling of protein sequence and biophysical properties (such as structural, functional, and spatial information, amino acid conservation, physicochemical variation, residue mobility, and thermodynamic stability) indicates that this missense variant is not expected to disrupt GPHN protein function with a negative predictive value of 80%. In summary, the available evidence is currently insufficient to determine the role of this variant in disease. Therefore, it has been classified as a Variant of Uncertain Significance.

NM_020806.5(GPHN):c.705A>G (p.Ile235Met)

Gene: GPHN (gephyrin; plus strand). Cytogenetic location: 14q23.3.
Variant type: single nucleotide variant.
Coding change: c.705A>G on transcript NM_020806.5 (MANE Select); coding-DNA position 705, A replaced by G.
Protein change: p.Ile235Met; replaces isoleucine 235 with methionine.
Molecular consequence: missense variant.
Genome position (GRCh38, 1-based): chr14:66,922,914, A>G. VCF-style: chr14-66922914-A-G. GRCh37 (hg19) VCF-style: chr14-67389631-A-G.
Other names: c.705A>G, p.Ile235Met (NM_001024218.2, NM_001377515.1, NM_001377516.1 and 2 more transcripts); c.744A>G, p.Ile248Met (NM_001377514.1, NM_001377519.1); short protein forms I235M, I248M.
Identifiers: ClinVar variation 3663945 (VCV003663945.2).